The following is an entry in ClinVar:

ClinVar aggregate classification (germline): Uncertain significance (1 of 4 stars; one submission).

Submission:

Labcorp Genetics (formerly Invitae), Labcorp
Classification: Uncertain significance. Last evaluated: 2025-06-23. Review status: criteria provided, single submitter. Criteria: Invitae Variant Classification Sherloc (09022015). Collection method: clinical testing. Allele origin: germline.
Comment: This sequence change replaces serine, which is neutral and polar, with phenylalanine, which is neutral and non-polar, at codon 325 of the PCGF2 protein (p.Ser325Phe). This variant is not present in population databases (gnomAD no frequency). This variant has not been reported in the literature in individuals affected with PCGF2-related conditions. An algorithm developed to predict the effect of missense changes on protein structure and function (PolyPhen-2) suggests that this variant is likely to be tolerated. In summary, the available evidence is currently insufficient to determine the role of this variant in disease. Therefore, it has been classified as a Variant of Uncertain Significance.

NM_007144.3(PCGF2):c.974C>T (p.Ser325Phe)

Genes: CISD3 (CDGSH iron sulfur domain 3; plus strand), PCGF2 (polycomb group ring finger 2; minus strand). Cytogenetic location: 17q12.
Variant type: single nucleotide variant.
Coding change: c.974C>T on transcript NM_007144.3 (MANE Select); coding-DNA position 974, C replaced by T.
Protein change: p.Ser325Phe; replaces serine 325 with phenylalanine.
Molecular consequence: missense variant. On other transcripts: 3 prime UTR variant (1).
Genome position (GRCh38, 1-based): chr17:38,735,284, G>A on the plus strand (C>T on the coding strand, the complement: PCGF2 is on the minus strand). VCF-style: chr17-38735284-G-A. GRCh37 (hg19) VCF-style: chr17-36891537-G-A.
Other names: c.*1829G>A (NM_001136498.2); c.974C>T, p.Ser325Phe (NM_001369614.1, NM_001369615.1); short protein forms S325F.
Identifiers: ClinVar variation 4764669 (VCV004764669.1).
Genomic context (GRCh38, chr17:38,735,284, plus strand): 5'-CAAGTTAAGGGGGGCACGGGAGCGCCGTTGACAGTCATCTTGCGCCCCCTGCTGGTGGAG[G>A]ATGGTGTCTGCAGGCAGTTCAAGCTACCCCCGTTGGCAGCTGTGGTGGCCCCACTGGCTG-3'
Protein context (NP_009075.1, residues 315-335): GGSLNCLQTP[Ser325Phe]STSRGRKMTV